The following is an entry in ClinVar:

ClinVar aggregate classification (germline): Uncertain significance. Review status: criteria provided, multiple submitters, no conflicts (2 of 4 stars). 2 submissions from 2 submitters: Uncertain significance (2). Last evaluated 2026-03-04.

Conditions:
Hereditary cancer-predisposing syndrome. Also called: Tumor predisposition; Hereditary Cancer Syndrome; Hereditary neoplastic syndrome; Neoplastic Syndromes, Hereditary. Identifiers: Orphanet 140162, MedGen C0027672, MeSH D009386, MONDO:0015356.

Allele frequency attached by ClinVar (database versions not stated): gnomAD 0.00001; TOPMed 0.00001; ESP Exome Variant Server 0.00008.
gnomAD v4.1: 1 of 1,613,710 alleles (0.000062%); highest among the groups gnomAD compares: African/African-American, 0.0013%; no homozygotes.

Submissions (2):

Ambry Genetics
Classification: Uncertain significance for Hereditary cancer-predisposing syndrome. Last evaluated: 2026-03-04. Review status: criteria provided, single submitter. Criteria: Ambry Variant Classification Scheme 2023. Collection method: clinical testing. Allele origin: germline.
Comment: The p.P780A variant (also known as c.2338C>G), located in coding exon 14 of the RAD50 gene, results from a C to G substitution at nucleotide position 2338. The proline at codon 780 is replaced by alanine, an amino acid with highly similar properties. This amino acid position is conserved. In addition, this alteration is predicted to be tolerated by in silico analysis. Based on the available evidence, the clinical significance of this variant remains unclear.

Labcorp Genetics (formerly Invitae), Labcorp
Classification: Uncertain significance for Hereditary cancer-predisposing syndrome. Last evaluated: 2023-07-07. Review status: criteria provided, single submitter. Criteria: Invitae Variant Classification Sherloc (09022015). Collection method: clinical testing. Allele origin: germline.
Comment: ClinVar contains an entry for this variant (Variation ID: 1718049). In summary, the available evidence is currently insufficient to determine the role of this variant in disease. Therefore, it has been classified as a Variant of Uncertain Significance. Advanced modeling of protein sequence and biophysical properties (such as structural, functional, and spatial information, amino acid conservation, physicochemical variation, residue mobility, and thermodynamic stability) performed at Invitae indicates that this missense variant is not expected to disrupt RAD50 protein function. This variant has not been reported in the literature in individuals affected with RAD50-related conditions. This variant is not present in population databases (gnomAD no frequency). This sequence change replaces proline, which is neutral and non-polar, with alanine, which is neutral and non-polar, at codon 780 of the RAD50 protein (p.Pro780Ala).

NM_005732.4(RAD50):c.2338C>G (p.Pro780Ala)

Gene: RAD50 (RAD50 double strand break repair protein; plus strand). Cytogenetic location: 5q31.1.
Variant type: single nucleotide variant.
Coding change: c.2338C>G on transcript NM_005732.4 (MANE Select); coding-DNA position 2338, C replaced by G.
Protein change: p.Pro780Ala; replaces proline 780 with alanine.
Molecular consequence: missense variant.
Genome position (GRCh38, 1-based): chr5:132,603,430, C>G. VCF-style: chr5-132603430-C-G. GRCh37 (hg19) VCF-style: chr5-131939122-C-G.
Other names: c.2338C>G (NM_005732.3); short protein forms P780A.
Identifiers: ClinVar variation 1718049 (VCV001718049.7), dbSNP rs371823530, ClinGen allele CA127257767.